The following is an entry in ClinVar:

NM_016284.5(CNOT1):c.4579T>A (p.Phe1527Ile)

Gene: CNOT1 (CCR4-NOT transcription complex subunit 1; minus strand). Cytogenetic location: 16q21.
Variant type: single nucleotide variant.
Coding change: c.4579T>A on transcript NM_016284.5 (MANE Select); coding-DNA position 4579, T replaced by A.
Protein change: p.Phe1527Ile; replaces phenylalanine 1527 with isoleucine.
Molecular consequence: missense variant. On other transcripts: non-coding transcript variant (1).
Genome position (GRCh38, 1-based): chr16:58,542,332, A>T on the plus strand (T>A on the coding strand, the complement: CNOT1 is on the minus strand). VCF-style: chr16-58542332-A-T. GRCh37 (hg19) VCF-style: chr16-58576236-A-T.
Other names: c.4564T>A, p.Phe1522Ile (NM_001265612.2); short protein forms F1522I, F1527I.
Identifiers: ClinVar variation 1309914 (VCV001309914.2), dbSNP rs2151916362, ClinGen allele CA396168700.
Genomic context (GRCh38, chr16:58,542,332, plus strand): 5'-TTAAAACAACAGGATCACAGTATCTGCGTCCTTCTTGCCTAGCATGTTTTCTCAGCTCAA[A>T]TTCCTGCAAACAAAAAAAGTCACTGAGGTTCTTGTTATAAGGCACTTCCCTAAATTAAAA-3'
Protein context (NP_057368.3, residues 1517-1537): PEMDKRLATE[Phe1527Ile]ELRKHARQEG

ClinVar aggregate classification (germline): Uncertain significance (1 of 4 stars; one submission).

gnomAD v4.1: 3 of 1,614,080 alleles (0.00019%); highest among the groups gnomAD compares: Non-Finnish European, 0.00025%; no homozygotes.

Submission:

GeneDx
Classification: Uncertain significance. Last evaluated: 2019-10-29. Review status: criteria provided, single submitter. Criteria: GeneDx Variant Classification Process June 2021. Collection method: clinical testing. Allele origin: germline. Affected: yes.
Comment: Not observed in large population cohorts (Lek et al., 2016); In silico analysis, which includes protein predictors and evolutionary conservation, supports a deleterious effect; Has not been previously published as pathogenic or benign to our knowledge